The following is an entry in ClinVar:

NM_005045.4(RELN):c.5609C>G (p.Ala1870Gly)

Gene: RELN (reelin; minus strand). Cytogenetic location: 7q22.1.
Variant type: single nucleotide variant.
Coding change: c.5609C>G on transcript NM_005045.4 (MANE Select); coding-DNA position 5609, C replaced by G.
Protein change: p.Ala1870Gly; replaces alanine 1870 with glycine.
Molecular consequence: missense variant.
Genome position (GRCh38, 1-based): chr7:103,557,970, G>C on the plus strand (C>G on the coding strand, the complement: RELN is on the minus strand). VCF-style: chr7-103557970-G-C. GRCh37 (hg19) VCF-style: chr7-103198417-G-C.
Other names: c.5609C>G, p.Ala1870Gly (NM_173054.3); short protein forms A1870G.
Identifiers: ClinVar variation 4875296 (VCV004875296.2).

ClinVar aggregate classification (germline): Uncertain significance (1 of 4 stars; one submission).

Submission:

CeGaT Center for Human Genetics Tuebingen
Classification: Uncertain significance. Last evaluated: 2026-06-01. Review status: criteria provided, single submitter. Criteria: CeGaT Center For Human Genetics Tuebingen Variant Classification Criteria Version 2. Collection method: clinical testing. Allele origin: germline. Affected: yes. Observed: 1 variant allele.
Comment: RELN: PM2